The following is an entry in ClinVar:

NM_001202.6(BMP4):c.475C>T (p.Arg159Trp)

Gene: BMP4 (bone morphogenetic protein 4; minus strand). Cytogenetic location: 14q22.2.
Variant type: single nucleotide variant.
Coding change: c.475C>T on transcript NM_001202.6 (MANE Select); coding-DNA position 475, C replaced by T.
Protein change: p.Arg159Trp; replaces arginine 159 with tryptophan.
Molecular consequence: missense variant.
Genome position (GRCh38, 1-based): chr14:53,950,784, G>A on the plus strand (C>T on the coding strand, the complement: BMP4 is on the minus strand). VCF-style: chr14-53950784-G-A. GRCh37 (hg19) VCF-style: chr14-54417502-G-A.
Other names: c.475C>T (NM_001202.5, NM_001202.3); c.616C>T, p.Arg206Trp (NM_001347912.1); c.286C>T, p.Arg96Trp (NM_001347913.2, NM_001347915.2, NM_001347917.1); c.475C>T, p.Arg159Trp (NM_001347914.2, NM_001347916.1, NM_130850.5 and 1 more transcripts); short protein forms R96W, R159W, R206W.
Identifiers: ClinVar variation 1368151 (VCV001368151.8), dbSNP rs774455359, ClinGen allele CA7191732.

ClinVar aggregate classification (germline): Uncertain significance. Review status: criteria provided, multiple submitters, no conflicts (2 of 4 stars). 3 submissions from 3 submitters: Uncertain significance (3). Last evaluated 2025-01-02.

Conditions:
BMP4-related disorder. Also called: BMP4-related condition.
Microphthalmia with brain and digit anomalies (MCOPS6). Also called: Microphthalmia, syndromic 6; MICROPHTHALMIA AND PITUITARY ANOMALIES. Identifiers: Orphanet 139471, MedGen C1864689, MONDO:0011936, OMIM 607932.
Orofacial cleft 11 (OFC11). Also called: Orofacial cleft 11; ofc11; CLEFT LIP WITH OR WITHOUT CLEFT PALATE, NONSYNDROMIC, 11. Identifiers: MedGen C2677434, MONDO:0010906, OMIM 600625.
Inborn genetic diseases. Identifiers: MedGen C0950123, MeSH D030342.

Allele frequency attached by ClinVar (database versions not stated): TOPMed 0.00002; gnomAD 0.00003; ExAC 0.00002; gnomAD exomes 0.00002.
gnomAD v4.1: 27 of 1,613,432 alleles (0.0017%); highest among the groups gnomAD compares: African/African-American, 0.0067%; no homozygotes.

Submissions (3):

PreventionGenetics, part of Exact Sciences
Classification: Uncertain significance for BMP4-related condition. Last evaluated: 2025-01-02. Review status: criteria provided, single submitter. Criteria: ACMG Guidelines, 2015. Collection method: clinical testing. Allele origin: germline.
Comment: The BMP4 c.475C>T variant is predicted to result in the amino acid substitution p.Arg159Trp. To our knowledge, this variant has not been reported in the literature. This variant is reported in 0.0057% of alleles in individuals of Latino descent in gnomAD. At this time, the clinical significance of this variant is uncertain due to the absence of conclusive functional and genetic evidence.

Ambry Genetics
Classification: Uncertain significance for Inborn genetic diseases. Last evaluated: 2024-04-18. Review status: criteria provided, single submitter. Criteria: Ambry Variant Classification Scheme 2023. Collection method: clinical testing. Allele origin: germline.

Labcorp Genetics (formerly Invitae), Labcorp
Classification: Uncertain significance for Microphthalmia with brain and digit anomalies; Orofacial cleft 11. Last evaluated: 2021-08-07. Review status: criteria provided, single submitter. Criteria: Invitae Variant Classification Sherloc (09022015). Collection method: clinical testing. Allele origin: germline.
Comment: This sequence change replaces arginine with tryptophan at codon 159 of the BMP4 protein (p.Arg159Trp). The arginine residue is highly conserved and there is a moderate physicochemical difference between arginine and tryptophan. This variant is present in population databases (rs774455359, ExAC 0.003%). This variant has not been reported in the literature in individuals affected with BMP4-related conditions. Algorithms developed to predict the effect of missense changes on protein structure and function (SIFT, PolyPhen-2, Align-GVGD) all suggest that this variant is likely to be disruptive. In summary, the available evidence is currently insufficient to determine the role of this variant in disease. Therefore, it has been classified as a Variant of Uncertain Significance.